The following is an entry in ClinVar:

ClinVar aggregate classification (germline): Pathogenic (1 of 4 stars; one submission).

Conditions:
Waardenburg syndrome type 4C (WS4C). Also called: WAARDENBURG SYNDROME WITH HIRSCHSPRUNG DISEASE, TYPE 4C. Identifiers: Orphanet 897, MedGen C2750452, MONDO:0013202, OMIM 613266.

Submission:

Institute of Rare Diseases, West China Hospital, Sichuan University
Classification: Pathogenic for Waardenburg syndrome type 4C. Last evaluated: 2025-01-09. Review status: criteria provided, single submitter. Criteria: ClinGen HL ACMG Specifications v1. Collection method: research. Allele origin: germline. Affected: yes.
Comment: PVS1;PP1;PP4;PM2_Supporting

NM_006941.4(SOX10):c.69del (p.Ser24fs)

Genes: POLR2F (RNA polymerase II, I and III subunit F; plus strand), SOX10 (SRY-box transcription factor 10; minus strand). Cytogenetic location: 22q13.1.
Variant type: Deletion.
Coding change: c.69del on transcript NM_006941.4 (MANE Select); coding-DNA position 69, one base deleted (G; older notation c.69delG).
Protein change: p.Ser24fs; shifts the reading frame from serine 24.
Molecular consequence: frameshift variant. On other transcripts: intron variant (3).
Genome position (GRCh38, 1-based): chr22:37,983,716, C deleted on the plus strand (G on the coding strand, the reverse complement: SOX10 is on the minus strand). VCF-style (leftmost placement, unchanged base first): chr22-37983715-AC-A. GRCh37 (hg19) VCF-style: chr22-38379722-AC-A.
Other names: c.*38+11406del (NM_001363825.1); c.294-2438del (NM_001301130.2); c.293+16546del (NM_001301131.2); short protein forms S24fs.
Identifiers: ClinVar variation 3601851 (VCV003601851.1).